The following is an entry in ClinVar:

NM_000179.3(MSH6):c.3223T>G (p.Cys1075Gly)

Gene: MSH6 (mutS homolog 6; plus strand). Cytogenetic location: 2p16.3.
Variant type: single nucleotide variant.
Coding change: c.3223T>G on transcript NM_000179.3 (MANE Select); coding-DNA position 3223, T replaced by G.
Protein change: p.Cys1075Gly; replaces cysteine 1075 with glycine.
Molecular consequence: missense variant.
Genome position (GRCh38, 1-based): chr2:47,803,470, T>G. VCF-style: chr2-47803470-T-G. GRCh37 (hg19) VCF-style: chr2-48030609-T-G.
Other names: c.2833T>G, p.Cys945Gly (NM_001281492.2); c.2317T>G, p.Cys773Gly (NM_001281493.2, NM_001281494.2); short protein forms C1075G, C945G, C773G.
Identifiers: ClinVar variation 525593 (VCV000525593.9), dbSNP rs1553331300, ClinGen allele CA346758005.
Genomic context (GRCh38, chr2:47,803,470, plus strand): 5'-CTTTTAACAGATGTTTTACTGTGCCTGGCTAACTATAGTCGAGGGGGTGATGGTCCTATG[T>G]GTCGCCCAGTAATTCTGTTGCCGGAAGATACCCCCCCCTTCTTAGAGCTTAAAGGATCAC-3'
Protein context (NP_000170.1, residues 1065-1085): NYSRGGDGPM[Cys1075Gly]RPVILLPEDT

ClinVar aggregate classification (germline): Uncertain significance (1 of 4 stars; one submission).

Conditions:
Hereditary nonpolyposis colorectal neoplasms. Identifiers: MedGen C0009405, MeSH D003123.

Submission:

Labcorp Genetics (formerly Invitae), Labcorp
Classification: Uncertain significance for Hereditary nonpolyposis colorectal neoplasms. Last evaluated: 2017-12-20. Review status: criteria provided, single submitter. Criteria: Invitae Variant Classification Sherloc (09022015). Collection method: clinical testing. Allele origin: germline.
Comment: This sequence change replaces cysteine with glycine at codon 1075 of the MSH6 protein (p.Cys1075Gly). The cysteine residue is highly conserved and there is a large physicochemical difference between cysteine and glycine. This variant is not present in population databases (ExAC no frequency). This variant has not been reported in the literature in individuals with MSH6-related disease. Algorithms developed to predict the effect of missense changes on protein structure and function do not agree on the potential impact of this missense change (SIFT: "Tolerated"; PolyPhen-2: "Possibly Damaging"; Align-GVGD: "Class C0"). In summary, the available evidence is currently insufficient to determine the role of this variant in disease. Therefore, it has been classified as a Variant of Uncertain Significance.